The following is an entry in ClinVar:

NM_001130987.2(DYSF):c.178del (p.Leu60fs)

Gene: DYSF (dysferlin; plus strand). Cytogenetic location: 2p13.2.
Variant type: Deletion.
Coding change: c.178del on transcript NM_001130987.2 (MANE Select); coding-DNA position 178, one base deleted (C; older notation c.178delC).
Protein change: p.Leu60fs; shifts the reading frame from leucine 60.
Molecular consequence: frameshift variant.
Genome position (GRCh38, 1-based): chr2:71,481,909, C deleted; the last of 5 consecutive C bases (chr2:71,481,905-71,481,909); deleting any one gives the same sequence. VCF-style (leftmost placement, unchanged base first): chr2-71481904-TC-T. GRCh37 (hg19) VCF-style: chr2-71709034-TC-T.
Other names: c.178del, p.Leu60fs (NM_001130455.2, NM_001130982.2, NM_001130983.2 and 3 more transcripts); c.175del, p.Leu59fs (NM_001130976.2, NM_001130977.2, NM_001130978.2 and 4 more transcripts); short protein forms L59fs, L60fs.
Identifiers: ClinVar variation 1443946 (VCV001443946.6), dbSNP rs1558967217, ClinGen allele CA426699515.

ClinVar aggregate classification (germline): Pathogenic (1 of 4 stars; one submission).

Conditions:
Neuromuscular disease caused by qualitative or quantitative defects of dysferlin. Also called: Qualitative or quantitative defects of dysferlin; Dysferlinopathy. Identifiers: Orphanet 207073, MedGen C2931687, MONDO:0016145.

Submission:

Labcorp Genetics (formerly Invitae), Labcorp
Classification: Pathogenic for Neuromuscular disease caused by qualitative or quantitative defects of dysferlin. Last evaluated: 2023-08-02. Review status: criteria provided, single submitter. Criteria: Invitae Variant Classification Sherloc (09022015). Collection method: clinical testing. Allele origin: germline.
Comment: For these reasons, this variant has been classified as Pathogenic. ClinVar contains an entry for this variant (Variation ID: 1443946). This premature translational stop signal has been observed in individual(s) with dysferlinopathies (PMID: 19528035). This variant is not present in population databases (gnomAD no frequency). This sequence change creates a premature translational stop signal (p.Leu59Trpfs*92) in the DYSF gene. It is expected to result in an absent or disrupted protein product. Loss-of-function variants in DYSF are known to be pathogenic (PMID: 17698709, 20301480).

Literature cited by the submitters: PubMed 19528035; PubMed 17698709; PubMed 20301480.